The following is an entry in ClinVar:

ClinVar aggregate classification (germline): Uncertain significance (1 of 4 stars; one submission).

Conditions:
RYR1-related disorder. Also called: RYR1-related disorders; RYR1-related condition. Identifiers: MedGen CN239331.

Allele frequency attached by ClinVar (database versions not stated): TOPMed below 0.00001; gnomAD exomes 0.00001 and 0.00002.
gnomAD v4.1: 7 of 1,613,554 alleles (0.00043%); highest among the groups gnomAD compares: Admixed American, 0.012%; no homozygotes.

Submission:

Labcorp Genetics (formerly Invitae), Labcorp
Classification: Uncertain significance for RYR1-related disorder. Last evaluated: 2025-11-02. Review status: criteria provided, single submitter. Criteria: Invitae Variant Classification Sherloc (09022015). Collection method: clinical testing. Allele origin: germline.
Comment: This sequence change falls in intron 102 of the RYR1 gene. It does not directly change the encoded amino acid sequence of the RYR1 protein. It affects a nucleotide within the consensus splice site. This variant is present in population databases (no rsID available, gnomAD 0.02%). This variant has not been reported in the literature in individuals affected with RYR1-related conditions. ClinVar contains an entry for this variant (Variation ID: 842175). Variants that disrupt the consensus splice site are a relatively common cause of aberrant splicing (PMID: 17576681, 9536098). Algorithms developed to predict the effect of sequence changes on RNA splicing suggest that this variant is not likely to affect RNA splicing. In summary, the available evidence is currently insufficient to determine the role of this variant in disease. Therefore, it has been classified as a Variant of Uncertain Significance.

Literature cited by the submitters: PubMed 17576681; PubMed 9536098.

NM_000540.3(RYR1):c.14803+3C>T

Gene: RYR1 (ryanodine receptor 1; plus strand). Cytogenetic location: 19q13.2.
Variant type: single nucleotide variant.
Coding change: c.14803+3C>T on transcript NM_000540.3 (MANE Select); 3 bases into the intron after coding-DNA position 14803, C replaced by T.
Molecular consequence: intron variant.
Genome position (GRCh38, 1-based): chr19:38,585,102, C>T. VCF-style: chr19-38585102-C-T. GRCh37 (hg19) VCF-style: chr19-39075742-C-T.
Other names: c.14788+3C>T (NM_001042723.2).
Identifiers: ClinVar variation 842175 (VCV000842175.7), dbSNP rs1202804699, ClinGen allele CA633067003.